The following is an entry in ClinVar:

NM_000465.4(BARD1):c.1168C>A (p.Leu390Ile)

Gene: BARD1 (BRCA1 associated RING domain 1; minus strand). Cytogenetic location: 2q35.
Variant type: single nucleotide variant.
Coding change: c.1168C>A on transcript NM_000465.4 (MANE Select); coding-DNA position 1168, C replaced by A.
Protein change: p.Leu390Ile; replaces leucine 390 with isoleucine.
Molecular consequence: missense variant. On other transcripts: non-coding transcript variant (2), intron variant (3).
Genome position (GRCh38, 1-based): chr2:214,780,706, G>T on the plus strand (C>A on the coding strand, the complement: BARD1 is on the minus strand). VCF-style: chr2-214780706-G-T. GRCh37 (hg19) VCF-style: chr2-215645430-G-T.
Other names: c.1111C>A, p.Leu371Ile (NM_001282543.2); c.159-28151C>A (NM_001282548.2); c.215+16355C>A (NM_001282545.2); c.364+11591C>A (NM_001282549.2); c.1168C>A (NM_000465.2); short protein forms L390I, L371I.
Identifiers: ClinVar variation 530202 (VCV000530202.11), dbSNP rs774439137, ClinGen allele CA350453886.
Genomic context (GRCh38, chr2:214,780,706, plus strand): 5'-TAGACATCACTCGCCTGTAACTTGAACTACTTAATGTAGAAGGTGGTGTACCTGGTGAAA[G>T]ACTAATGAATTCATCGGACATGTTACTGTTTTTCCTCCCTGATGTACCACCAACTTTACG-3'
Protein context (NP_000456.2, residues 380-400): NSNMSDEFIS[Leu390Ile]SPGTPPSTLS

ClinVar aggregate classification (germline): Conflicting classifications of pathogenicity. Review status: criteria provided, conflicting classifications (1 of 4 stars). 3 submissions from 3 submitters: Uncertain significance (2); Likely benign (1). Last evaluated 2024-11-24.

Conditions:
Familial cancer of breast. Also called: BREAST CANCER, FAMILIAL; Hereditary breast cancer; hereditary breast carcinoma. Identifiers: Orphanet 227535, MedGen C0346153, MONDO:0016419, OMIM 114480. Disease mechanism: loss of function.
Hereditary cancer-predisposing syndrome. Also called: Hereditary neoplastic syndrome; Neoplastic Syndromes, Hereditary; Hereditary Cancer Syndrome; Tumor predisposition. Identifiers: Orphanet 140162, MedGen C0027672, MeSH D009386, MONDO:0015356.

Submissions (3):

Labcorp Genetics (formerly Invitae), Labcorp
Classification: Uncertain significance for Familial cancer of breast. Last evaluated: 2024-11-24. Review status: criteria provided, single submitter. Criteria: Invitae Variant Classification Sherloc (09022015). Collection method: clinical testing. Allele origin: germline.
Comment: This sequence change replaces leucine, which is neutral and non-polar, with isoleucine, which is neutral and non-polar, at codon 390 of the BARD1 protein (p.Leu390Ile). This variant is not present in population databases (gnomAD no frequency). This variant has not been reported in the literature in individuals affected with BARD1-related conditions. ClinVar contains an entry for this variant (Variation ID: 530202). An algorithm developed to predict the effect of missense changes on protein structure and function (PolyPhen-2) suggests that this variant is likely to be tolerated. In summary, the available evidence is currently insufficient to determine the role of this variant in disease. Therefore, it has been classified as a Variant of Uncertain Significance.

Ambry Genetics
Classification: Likely benign for Hereditary cancer-predisposing syndrome. Last evaluated: 2024-08-27. Review status: criteria provided, single submitter. Criteria: Ambry Variant Classification Scheme 2023. Collection method: clinical testing. Allele origin: germline.

Baylor Genetics
Classification: Uncertain significance for Familial cancer of breast. Last evaluated: 2023-06-07. Review status: criteria provided, single submitter. Criteria: ACMG Guidelines, 2015. Collection method: clinical testing. Allele origin: unknown.